The following is an entry in ClinVar:

ClinVar aggregate classification (germline): Uncertain significance (1 of 4 stars; one submission).

Conditions:
Nemaline myopathy 8 (NEM8). Also called: Nemaline myopathy 8, autosomal recessive. Identifiers: Orphanet 171430, MedGen C3809209, MONDO:0014138, OMIM 615348.

Allele frequency attached by ClinVar (database versions not stated): ExAC 0.00001.

Submission:

Labcorp Genetics (formerly Invitae), Labcorp
Classification: Uncertain significance for Nemaline myopathy 8. Last evaluated: 2022-11-01. Review status: criteria provided, single submitter. Criteria: Invitae Variant Classification Sherloc (09022015). Collection method: clinical testing. Allele origin: germline.
Comment: This sequence change replaces glycine, which is neutral and non-polar, with aspartic acid, which is acidic and polar, at codon 605 of the KLHL40 protein (p.Gly605Asp). This variant is present in population databases (rs754540654, gnomAD 0.02%). This variant has not been reported in the literature in individuals affected with KLHL40-related conditions. Advanced modeling of protein sequence and biophysical properties (such as structural, functional, and spatial information, amino acid conservation, physicochemical variation, residue mobility, and thermodynamic stability) performed at Invitae indicates that this missense variant is not expected to disrupt KLHL40 protein function. In summary, the available evidence is currently insufficient to determine the role of this variant in disease. Therefore, it has been classified as a Variant of Uncertain Significance.

NM_152393.4(KLHL40):c.1814G>A (p.Gly605Asp)

Gene: KLHL40 (kelch like family member 40; plus strand). Cytogenetic location: 3p22.1.
Variant type: single nucleotide variant.
Coding change: c.1814G>A on transcript NM_152393.4 (MANE Select); coding-DNA position 1814, G replaced by A.
Protein change: p.Gly605Asp; replaces glycine 605 with aspartic acid.
Molecular consequence: missense variant.
Genome position (GRCh38, 1-based): chr3:42,691,941, G>A. VCF-style: chr3-42691941-G-A. GRCh37 (hg19) VCF-style: chr3-42733433-G-A.
Other names: short protein forms G605D.
Identifiers: ClinVar variation 2180735 (VCV002180735.1), dbSNP rs754540654, ClinGen allele CA2337106.
Genomic context (GRCh38, chr3:42,691,941, plus strand): 5'-GGTATAACGAGGAGGAGAAGAAATGGGAGGGTGTCCTGCGGGAGATCGCCTATGCAGCAG[G>A]TGCCACCTTCCTACCAGTGCGGCTCAATGTGCTGTGCCTGACTAAGATGTGACCAGCTCA-3'
Protein context (NP_689606.2, residues 595-615): GVLREIAYAA[Gly605Asp]ATFLPVRLNV